The following is an entry in ClinVar:

ClinVar aggregate classification (germline): Likely benign (1 of 4 stars; one submission).

gnomAD v4.1: 2,837 of 1,614,100 alleles (0.18%); highest among the groups gnomAD compares: South Asian, 0.12%; 31 homozygotes.

Submission:

CeGaT Center for Human Genetics Tuebingen
Classification: Likely benign. Last evaluated: 2026-01-01. Review status: criteria provided, single submitter. Criteria: CeGaT Center For Human Genetics Tuebingen Variant Classification Criteria Version 2. Collection method: clinical testing. Allele origin: germline. Affected: yes. Observed: 3 variant alleles.
Comment: PCDHGC4: PP3, BS2

NM_018928.3(PCDHGC4):c.2383A>G (p.Met795Val)

Genes: PCDHGB3 (protocadherin gamma subfamily B, 3; plus strand), PCDHGB4 (protocadherin gamma subfamily B, 4; plus strand), PCDHGB5 (protocadherin gamma subfamily B, 5; plus strand), PCDHGB6 (protocadherin gamma subfamily B, 6; plus strand), PCDHGB7 (protocadherin gamma subfamily B, 7; plus strand) and 17 more. Cytogenetic location: 5q31.3.
Variant type: single nucleotide variant.
Coding change: c.2383A>G on transcript NM_018928.3 (MANE Select); coding-DNA position 2383, A replaced by G.
Protein change: p.Met795Val; replaces methionine 795 with valine.
Molecular consequence: missense variant. On other transcripts: intron variant (23).
Genome position (GRCh38, 1-based): chr5:141,487,556, A>G. VCF-style: chr5-141487556-A-G. GRCh37 (hg19) VCF-style: chr5-140867123-A-G.
Other names: c.1879-7251A>G (NM_032092.2); c.2425-7251A>G (NM_003735.3, NM_018919.3, NM_018920.4 and 4 more transcripts); c.2431-7251A>G (NM_002588.4); c.31-7251A>G (NM_032403.3); c.12+2371A>G (NM_001386884.1); c.2515-7251A>G (NM_018917.4); c.2422-7251A>G (NM_018923.3, NM_018918.3, NM_018912.3); c.2416-7251A>G (NM_018924.5, NM_018927.4); and 6 more; short protein forms M795V.
Identifiers: ClinVar variation 3898122 (VCV003898122.7).